The following is an entry in ClinVar:

ClinVar aggregate classification (germline): Uncertain significance (1 of 4 stars; one submission).

Conditions:
WDFY4-related disorder. Also called: WDFY4-related condition.

Allele frequency attached by ClinVar (database versions not stated): gnomAD 0.00001; TOPMed 0.00001.
gnomAD v4.1: 6 of 1,551,602 alleles (0.00039%); highest among the groups gnomAD compares: Non-Finnish European, 0.00052%; no homozygotes.

Submission:

PreventionGenetics, part of Exact Sciences
Classification: Uncertain significance for WDFY4-related condition. Last evaluated: 2023-09-11. Review status: criteria provided, single submitter. Criteria: ACMG Guidelines, 2015. Collection method: clinical testing. Allele origin: germline.
Comment: The WDFY4 c.2620C>T variant is predicted to result in the amino acid substitution p.Arg874Cys. To our knowledge, this variant has not been reported in the literature. This variant is reported in 0.0065% of alleles in individuals of European (Non-Finnish) descent in gnomAD. At this time, the clinical significance of this variant is uncertain due to the absence of conclusive functional and genetic evidence.

NM_001394531.1(WDFY4):c.2620C>T (p.Arg874Cys)

Gene: WDFY4 (WDFY family member 4; plus strand). Cytogenetic location: 10q11.23.
Variant type: single nucleotide variant.
Coding change: c.2620C>T on transcript NM_001394531.1 (MANE Select); coding-DNA position 2620, C replaced by T.
Protein change: p.Arg874Cys; replaces arginine 874 with cysteine.
Molecular consequence: missense variant.
Genome position (GRCh38, 1-based): chr10:48,774,524, C>T. VCF-style: chr10-48774524-C-T. GRCh37 (hg19) VCF-style: chr10-49982569-C-T.
Other names: c.2620C>T, p.Arg874Cys (NM_001370153.1, NM_020945.2); short protein forms R874C.
Identifiers: ClinVar variation 2628545 (VCV002628545.1), dbSNP rs1348846634, ClinGen allele CA376678368.